The following is an entry in ClinVar:

ClinVar aggregate classification (germline): Pathogenic (1 of 4 stars; one submission).

Conditions:
Hypertrophic cardiomyopathy. Also called: HYPERTROPHIC MYOCARDIOPATHY. Identifiers: Orphanet 217569, MedGen C0007194, MeSH D002312, MONDO:0005045, HP:0001639.

Submission:

Labcorp Genetics (formerly Invitae), Labcorp
Classification: Pathogenic for Hypertrophic cardiomyopathy. Last evaluated: 2024-10-15. Review status: criteria provided, single submitter. Criteria: Invitae Variant Classification Sherloc (09022015). Collection method: clinical testing. Allele origin: germline.
Comment: This sequence change creates a premature translational stop signal (p.His210Glnfs*31) in the MYBPC3 gene. It is expected to result in an absent or disrupted protein product. Loss-of-function variants in MYBPC3 are known to be pathogenic (PMID: 19574547). This variant is not present in population databases (gnomAD no frequency). This variant has not been reported in the literature in individuals affected with MYBPC3-related conditions. For these reasons, this variant has been classified as Pathogenic.

Literature cited by the submitters: PubMed 19574547.

NM_000256.3(MYBPC3):c.629dup (p.His210fs)

Gene: MYBPC3 (myosin binding protein C3; minus strand). Cytogenetic location: 11p11.2.
Variant type: Duplication.
Coding change: c.629dup on transcript NM_000256.3 (MANE Select); coding-DNA position 629, one base duplicated (A; older notation c.629dupA).
Protein change: p.His210fs; shifts the reading frame from histidine 210.
Molecular consequence: frameshift variant.
Genome position (GRCh38, 1-based): chr11:47,349,799, T duplicated on the plus strand (A on the coding strand, the reverse complement: MYBPC3 is on the minus strand). VCF-style (leftmost placement, unchanged base first): chr11-47349798-G-GT. GRCh37 (hg19) VCF-style: chr11-47371349-G-GT.
Other names: short protein forms H210fs.
Identifiers: ClinVar variation 3722943 (VCV003722943.2).